The following is an entry in ClinVar:

ClinVar aggregate classification (germline): Pathogenic/Likely pathogenic. Review status: criteria provided, multiple submitters, no conflicts (2 of 4 stars). 2 submissions from 2 submitters: Pathogenic (1); Likely pathogenic (1). Last evaluated 2026-01-13.

Conditions:
Wilson disease (WND). Also called: Wilson's disease. Identifiers: Orphanet 905, MedGen C0019202, MONDO:0010200, OMIM 277900. Disease mechanism: loss of function.

Submissions (2):

Natera, Inc.
Classification: Pathogenic for Wilson disease. Last evaluated: 2026-01-13. Review status: criteria provided, single submitter. Criteria: Natera Variant Classification Schema (03/2026). Collection method: clinical testing. Allele origin: germline.
Comment: The c.1946+2T>C variant in ATP7B is a canonical splice donor site variant predicted to affect pre-mRNA splicing, which may result in an abnormal transcript and altered protein product. This variant is expected to result in nonsense mediated decay, truncation, or a dysfunctional protein product. This variant is rare in the general population with a frequency below the threshold expected for the associated phenotype(s). This variant has been observed in one or more individuals affected with the associated recessive disease, as either homozygous or compound heterozygous with a second variant (PMID: 35940888). Additionally, this variant has been observed to segregate in affected family members (PMID: 35940888). Given the available evidence, this variant is classified as Pathogenic.

Myriad Genetics, Inc.
Classification: Likely pathogenic for Wilson disease. Last evaluated: 2025-06-10. Review status: criteria provided, single submitter. Criteria: Myriad Autosomal Dominant, Autosomal Recessive and X-Linked Classification Criteria (2023). Collection method: clinical testing. Allele origin: unknown.
Comment: NM_000053.3(ATP7B):c.1946+2T>C is a variant in a canonical splice site classified as likely pathogenic in the context of Wilson disease. c.1946+2T>C has been observed in a case with relevant disease (PMID: 35940888). Relevant functional assessments of this variant are not available in the literature. c.1946+2T>C has not been observed in referenced population frequency databases. In summary, NM_000053.3(ATP7B):c.1946+2T>C is a variant in a canonical splice site in a gene where loss of function is a known mechanism of disease, is predicted to disrupt protein function, and has been observed more frequently in cases with the relevant disease than in healthy populations. Please note: this variant was assessed in the context of healthy population screening.

Literature cited by the submitters: PubMed 35940888 (cited by Natera, Inc. and Myriad Genetics, Inc.).

NM_000053.4(ATP7B):c.1946+2T>C

Gene: ATP7B (ATPase copper transporting beta; minus strand). Cytogenetic location: 13q14.3.
Variant type: single nucleotide variant.
Coding change: c.1946+2T>C on transcript NM_000053.4 (MANE Select); the canonical splice donor site of the intron after coding-DNA position 1946, T replaced by C.
Molecular consequence: splice donor variant. On other transcripts: intron variant (13).
Genome position (GRCh38, 1-based): chr13:51,961,835, A>G on the plus strand (T>C on the coding strand, the complement: ATP7B is on the minus strand). VCF-style: chr13-51961835-A-G. GRCh37 (hg19) VCF-style: chr13-52535971-A-G.
Other names: c.1946+2T>C (NM_000053.3, NM_001406527.1, NM_001406537.1 and 17 more transcripts); c.1869+3037T>C (NM_001406541.1, NM_001406531.1, NM_001406532.1 and 5 more transcripts); c.1773+3037T>C (NM_001406543.1, NM_001406544.1); c.1613+2T>C (NM_001243182.2); c.1286-11674T>C (NM_001406548.1); c.1913+2T>C (NM_001406524.1, NM_001406514.1); c.1708-4228T>C (NM_001406547.1, NM_001406545.1); c.1850+2T>C (NM_001406518.1, NM_001406536.1, NM_001406530.1 and 1 more transcripts); and 1 more.
Identifiers: ClinVar variation 4081832 (VCV004081832.2).